The following is an entry in ClinVar:

ClinVar aggregate classification (germline): Uncertain significance (1 of 4 stars; one submission).

gnomAD v4.1: 2 of 1,614,188 alleles (0.00012%); highest among the groups gnomAD compares: Non-Finnish European, 0.00017%; no homozygotes.

Submission:

Labcorp Genetics (formerly Invitae), Labcorp
Classification: Uncertain significance. Last evaluated: 2024-09-26. Review status: criteria provided, single submitter. Criteria: Invitae Variant Classification Sherloc (09022015). Collection method: clinical testing. Allele origin: germline.
Comment: This sequence change replaces serine, which is neutral and polar, with cysteine, which is neutral and slightly polar, at codon 3240 of the KMT2A protein (p.Ser3240Cys). This variant is not present in population databases (gnomAD no frequency). This variant has not been reported in the literature in individuals affected with KMT2A-related conditions. Invitae Evidence Modeling of protein sequence and biophysical properties (such as structural, functional, and spatial information, amino acid conservation, physicochemical variation, residue mobility, and thermodynamic stability) has been performed for this missense variant. However, the output from this modeling did not meet the statistical confidence thresholds required to predict the impact of this variant on KMT2A protein function. In summary, the available evidence is currently insufficient to determine the role of this variant in disease. Therefore, it has been classified as a Variant of Uncertain Significance.

NM_001197104.2(KMT2A):c.9719C>G (p.Ser3240Cys)

Gene: KMT2A (lysine methyltransferase 2A; plus strand). Cytogenetic location: 11q23.3.
Variant type: single nucleotide variant.
Coding change: c.9719C>G on transcript NM_001197104.2 (MANE Select); coding-DNA position 9719, C replaced by G.
Protein change: p.Ser3240Cys; replaces serine 3240 with cysteine.
Molecular consequence: missense variant.
Genome position (GRCh38, 1-based): chr11:118,505,611, C>G. VCF-style: chr11-118505611-C-G. GRCh37 (hg19) VCF-style: chr11-118376326-C-G.
Other names: c.9809C>G, p.Ser3270Cys (NM_001412597.1); c.9710C>G, p.Ser3237Cys (NM_005933.4); short protein forms S3237C, S3240C, S3270C.
Identifiers: ClinVar variation 3613793 (VCV003613793.2).
Genomic context (GRCh38, chr11:118,505,611, plus strand): 5'-GACTCAAGAAAAGACCCATATCTCGTCTACAGACCCGAAAGAATAAAAAACTTGCTCCCT[C>G]TAGTACCCCTTCAAACATTGCCCCTTCTGATGTGGTTTCTAATATGACATTGATTAACTT-3'
Protein context (NP_001184033.1, residues 3230-3250): QTRKNKKLAP[Ser3240Cys]STPSNIAPSD